The following is an entry in ClinVar:

ClinVar aggregate classification (germline): Uncertain significance (1 of 4 stars; one submission).

Conditions:
Hyperekplexia 1 (STHE). Also called: KOK DISEASE; STARTLE DISEASE, FAMILIAL; STIFF-BABY SYNDROME; STIFF-MAN SYNDROME, CONGENITAL; STIFF-PERSON SYNDROME, CONGENITAL; HYPEREKPLEXIA 1, AUTOSOMAL DOMINANT. Identifiers: Orphanet 3197, MedGen C4551954, MONDO:0007868, OMIM 149400.

Submission:

Baylor Genetics
Classification: Uncertain significance for Hyperekplexia 1. Last evaluated: 2019-08-05. Review status: criteria provided, single submitter. Criteria: ACMG Guidelines, 2015. Collection method: clinical testing. Allele origin: unknown. Affected: yes.
Comment: This variant was determined to be of uncertain significance according to ACMG Guidelines, 2015 [PMID:25741868].

NM_020806.5(GPHN):c.175G>A (p.Val59Ile)

Gene: GPHN (gephyrin; plus strand). Cytogenetic location: 14q23.3.
Variant type: single nucleotide variant.
Coding change: c.175G>A on transcript NM_020806.5 (MANE Select); coding-DNA position 175, G replaced by A.
Protein change: p.Val59Ile; replaces valine 59 with isoleucine.
Molecular consequence: missense variant.
Genome position (GRCh38, 1-based): chr14:66,776,495, G>A. VCF-style: chr14-66776495-G-A. GRCh37 (hg19) VCF-style: chr14-67243213-G-A.
Other names: c.175G>A, p.Val59Ile (NM_001024218.2, NM_001377514.1, NM_001377515.1 and 4 more transcripts); short protein forms V59I.
Identifiers: ClinVar variation 1028686 (VCV001028686.1), dbSNP rs2059386675, ClinGen allele CA390255238.